The following is an entry in ClinVar:

ClinVar aggregate classification (germline): Uncertain significance (1 of 4 stars; one submission).

Conditions:
Pitt-Hopkins-like syndrome 2 (PTHSL2). Identifiers: Orphanet 221150, Orphanet 600663, MedGen C3280479, MONDO:0013690, OMIM 614325.

Submission:

Labcorp Genetics (formerly Invitae), Labcorp
Classification: Uncertain significance for Pitt-Hopkins-like syndrome 2. Last evaluated: 2024-09-19. Review status: criteria provided, single submitter. Criteria: Invitae Variant Classification Sherloc (09022015). Collection method: clinical testing. Allele origin: germline.
Comment: This sequence change replaces alanine, which is neutral and non-polar, with proline, which is neutral and non-polar, at codon 1516 of the NRXN1 protein (p.Ala1516Pro). This variant is not present in population databases (gnomAD no frequency). This variant has not been reported in the literature in individuals affected with NRXN1-related conditions. Invitae Evidence Modeling of protein sequence and biophysical properties (such as structural, functional, and spatial information, amino acid conservation, physicochemical variation, residue mobility, and thermodynamic stability) indicates that this missense variant is not expected to disrupt NRXN1 protein function with a negative predictive value of 80%. In summary, the available evidence is currently insufficient to determine the role of this variant in disease. Therefore, it has been classified as a Variant of Uncertain Significance.

NM_001330078.2(NRXN1):c.4426G>C (p.Ala1476Pro)

Gene: NRXN1 (neurexin 1; minus strand). Cytogenetic location: 2p16.3.
Variant type: single nucleotide variant.
Coding change: c.4426G>C on transcript NM_001330078.2 (MANE Select); coding-DNA position 4426, G replaced by C.
Protein change: p.Ala1476Pro; replaces alanine 1476 with proline.
Molecular consequence: missense variant.
Genome position (GRCh38, 1-based): chr2:49,922,042, C>G on the plus strand (G>C on the coding strand, the complement: NRXN1 is on the minus strand). VCF-style: chr2-49922042-C-G. GRCh37 (hg19) VCF-style: chr2-50149180-C-G.
Other names: c.1222G>C, p.Ala408Pro (NM_001330097.2); c.4336G>C, p.Ala1446Pro (NM_004801.6); c.1231G>C, p.Ala411Pro (NM_138735.5); c.4546G>C, p.Ala1516Pro (NM_001135659.3); c.331G>C, p.Ala111Pro (NM_001320156.4); c.322G>C, p.Ala108Pro (NM_001320157.4); c.4402G>C, p.Ala1468Pro (NM_001330077.2); c.4393G>C, p.Ala1465Pro (NM_001330082.2); and 12 more; short protein forms A108P, A111P, A1406P, A1409P, A1416P, A1421P, A1429P, A1446P.
Identifiers: ClinVar variation 3625493 (VCV003625493.2).